The following is an entry in ClinVar:

NM_006361.6(HOXB13):c.439T>C (p.Ser147Pro)

Gene: HOXB13 (homeobox B13; minus strand). Cytogenetic location: 17q21.32.
Variant type: single nucleotide variant.
Coding change: c.439T>C on transcript NM_006361.6 (MANE Select); coding-DNA position 439, T replaced by C.
Protein change: p.Ser147Pro; replaces serine 147 with proline.
Molecular consequence: missense variant.
Genome position (GRCh38, 1-based): chr17:48,728,155, A>G on the plus strand (T>C on the coding strand, the complement: HOXB13 is on the minus strand). VCF-style: chr17-48728155-A-G. GRCh37 (hg19) VCF-style: chr17-46805517-A-G.
Other names: short protein forms S147P.
Identifiers: ClinVar variation 2134368 (VCV002134368.6), dbSNP rs2509515005, ClinGen allele CA400107450.

ClinVar aggregate classification (germline): Uncertain significance. Review status: criteria provided, multiple submitters, no conflicts (2 of 4 stars). 2 submissions from 2 submitters: Uncertain significance (2). Last evaluated 2024-11-18.

Conditions:
Hereditary cancer-predisposing syndrome. Also called: Hereditary neoplastic syndrome; Hereditary Cancer Syndrome; Tumor predisposition; Neoplastic Syndromes, Hereditary. Identifiers: Orphanet 140162, MedGen C0027672, MeSH D009386, MONDO:0015356.

Submissions (2):

Labcorp Genetics (formerly Invitae), Labcorp
Classification: Uncertain significance. Last evaluated: 2024-11-18. Review status: criteria provided, single submitter. Criteria: Invitae Variant Classification Sherloc (09022015). Collection method: clinical testing. Allele origin: germline.
Comment: This sequence change replaces serine, which is neutral and polar, with proline, which is neutral and non-polar, at codon 147 of the HOXB13 protein (p.Ser147Pro). This variant is not present in population databases (gnomAD no frequency). This variant has not been reported in the literature in individuals affected with HOXB13-related conditions. ClinVar contains an entry for this variant (Variation ID: 2134368). Invitae Evidence Modeling of protein sequence and biophysical properties (such as structural, functional, and spatial information, amino acid conservation, physicochemical variation, residue mobility, and thermodynamic stability) indicates that this missense variant is not expected to disrupt HOXB13 protein function with a negative predictive value of 80%. In summary, the available evidence is currently insufficient to determine the role of this variant in disease. Therefore, it has been classified as a Variant of Uncertain Significance.

Ambry Genetics
Classification: Uncertain significance for Hereditary cancer-predisposing syndrome. Last evaluated: 2023-02-24. Review status: criteria provided, single submitter. Criteria: Ambry Variant Classification Scheme 2023. Collection method: clinical testing. Allele origin: germline.
Comment: The p.S147P variant (also known as c.439T>C), located in coding exon 1 of the HOXB13 gene, results from a T to C substitution at nucleotide position 439. The serine at codon 147 is replaced by proline, an amino acid with similar properties. This amino acid position is conserved. In addition, the in silico prediction for this alteration is inconclusive. Since supporting evidence is limited at this time, the clinical significance of this alteration remains unclear.